The following is an entry in ClinVar:

ClinVar aggregate classification (germline): Uncertain significance (1 of 4 stars; one submission).

Conditions:
SCAPER-related disorder. Also called: SCAPER-related condition.

Submission:

PreventionGenetics, part of Exact Sciences
Classification: Uncertain significance for SCAPER-related condition. Last evaluated: 2026-01-06. Review status: criteria provided, single submitter. Criteria: ACMG Guidelines, 2015. Collection method: clinical testing. Allele origin: germline.
Comment: The SCAPER c.3486-5G>T variant is predicted to interfere with splicing. To our knowledge, this variant has not been reported in the literature or in a large population database (gnomAD), indicating this variant is rare. At this time, the clinical significance of this variant is uncertain due to the absence of conclusive functional and genetic evidence.

NM_020843.4(SCAPER):c.3468-5G>T

Gene: SCAPER (S-phase cyclin A associated protein in the ER; minus strand). Cytogenetic location: 15q24.3.
Variant type: single nucleotide variant.
Coding change: c.3468-5G>T on transcript NM_020843.4 (MANE Select); 5 bases into the intron before coding-DNA position 3468, G replaced by T.
Molecular consequence: intron variant.
Genome position (GRCh38, 1-based): chr15:76,381,620, C>A on the plus strand (G>T on the coding strand, the complement: SCAPER is on the minus strand). VCF-style: chr15-76381620-C-A. GRCh37 (hg19) VCF-style: chr15-76673961-C-A.
Other names: c.3084-5G>T (NM_001353011.2); c.3066-5G>T (NM_001353012.2, NM_001353010.2); c.3486-5G>T (NM_001353009.2); c.2730-5G>T (NM_001145923.2).
Identifiers: ClinVar variation 4996381 (VCV004996381.1).